The following is an entry in ClinVar:

ClinVar aggregate classification (germline): Conflicting classifications of pathogenicity. Review status: criteria provided, conflicting classifications (1 of 4 stars). 2 submissions from 2 submitters: Uncertain significance (1); Likely benign (1). Last evaluated 2023-06-11.

Conditions:
Thrombocytopenia 1. Also called: X-Linked Thrombocytopenia (XLT); THROMBOCYTOPENIA, X-LINKED, 1; X-linked thrombocytopenia with normal platelets. Identifiers: Orphanet 268322, Orphanet 852, MedGen C1839163, MONDO:0010743, OMIM 313900.
Wiskott-Aldrich syndrome (WAS). Also called: ALDRICH SYNDROME; IMMUNODEFICIENCY 2; WISKOTT-ALDRICH SYNDROME 1; Wiskott-aldrich syndrome, somatic. Identifiers: Orphanet 906, MedGen C0043194, MONDO:0010518, OMIM 301000.
X-linked severe congenital neutropenia (SCNX). Identifiers: Orphanet 86788, MedGen C1845987, MONDO:0010294, OMIM 300299.

Allele frequency attached by ClinVar (database versions not stated): TOPMed below 0.00001; gnomAD 0.00001; gnomAD exomes 0.00001.
gnomAD v4.1: 8 of 1,209,700 alleles (0.00066%); highest among the groups gnomAD compares: East Asian, 0.003%; no homozygotes.

Submissions (2):

Labcorp Genetics (formerly Invitae), Labcorp
Classification: Likely benign for Wiskott-Aldrich syndrome; X-linked severe congenital neutropenia; Thrombocytopenia 1. Last evaluated: 2023-06-11. Review status: criteria provided, single submitter. Criteria: Invitae Variant Classification Sherloc (09022015). Collection method: clinical testing. Allele origin: germline.

CeGaT Center for Human Genetics Tuebingen
Classification: Uncertain significance. Last evaluated: 2022-03-01. Review status: criteria provided, single submitter. Criteria: CeGaT Center For Human Genetics Tuebingen Variant Classification Criteria Version 2. Collection method: clinical testing. Allele origin: germline. Affected: yes. Observed: 1 variant allele.
Comment: WAS: PM2:Supporting, BP4

NM_000377.3(WAS):c.38G>A (p.Arg13Gln)

Gene: WAS (WASP actin nucleation promoting factor; plus strand). Cytogenetic location: Xp11.23.
Variant type: single nucleotide variant.
Coding change: c.38G>A on transcript NM_000377.3 (MANE Select); coding-DNA position 38, G replaced by A.
Protein change: p.Arg13Gln; replaces arginine 13 with glutamine.
Molecular consequence: missense variant.
Genome position (GRCh38, 1-based): chrX:48,683,891, G>A. VCF-style: chrX-48683891-G-A. GRCh37 (hg19) VCF-style: chrX-48542280-G-A.
Other names: short protein forms R13Q.
Identifiers: ClinVar variation 2660462 (VCV002660462.27), dbSNP rs1440423616, ClinGen allele CA412865286.
Genomic context (GRCh38, chrX:48,683,891, plus strand): 5'-AGAAGACAAGGGCAGAAAGCACCATGAGTGGGGGCCCAATGGGAGGAAGGCCCGGGGGCC[G>A]AGGAGCACCAGCGGTTCAGCAGAACATACCCTCCACCCTCCTCCAGGACCACGAGAACCA-3'
Protein context (NP_000368.1, residues 3-23): GGPMGGRPGG[Arg13Gln]GAPAVQQNIP